The following is an entry in ClinVar:

ClinVar aggregate classification (germline): Uncertain significance (1 of 4 stars; one submission).

Submission:

Labcorp Genetics (formerly Invitae), Labcorp
Classification: Uncertain significance. Last evaluated: 2022-08-16. Review status: criteria provided, single submitter. Criteria: Invitae Variant Classification Sherloc (09022015). Collection method: clinical testing. Allele origin: germline.
Comment: In summary, the available evidence is currently insufficient to determine the role of this variant in disease. Therefore, it has been classified as a Variant of Uncertain Significance. Algorithms developed to predict the effect of missense changes on protein structure and function output the following: SIFT: "Tolerated"; PolyPhen-2: "Benign"; Align-GVGD: "Class C0". The histidine amino acid residue is found in multiple mammalian species, which suggests that this missense change does not adversely affect protein function. ClinVar contains an entry for this variant (Variation ID: 1372653). This variant has not been reported in the literature in individuals affected with TBXAS1-related conditions. This variant is not present in population databases (gnomAD no frequency). This sequence change replaces glutamine, which is neutral and polar, with histidine, which is basic and polar, at codon 319 of the TBXAS1 protein (p.Gln319His).

NM_001061.7(TBXAS1):c.954G>T (p.Gln318His)

Gene: TBXAS1 (thromboxane A synthase 1; plus strand). Cytogenetic location: 7q34.
Variant type: single nucleotide variant.
Coding change: c.954G>T on transcript NM_001061.7 (MANE Select); coding-DNA position 954, G replaced by T.
Protein change: p.Gln318His; replaces glutamine 318 with histidine.
Molecular consequence: missense variant.
Genome position (GRCh38, 1-based): chr7:139,962,053, G>T. VCF-style: chr7-139962053-G-T. GRCh37 (hg19) VCF-style: chr7-139661852-G-T.
Other names: c.954G>T, p.Gln318His (NM_001130966.5, NM_030984.6); c.1092G>T, p.Gln364His (NM_001166253.4); c.753G>T, p.Gln251His (NM_001166254.4); c.897G>T, p.Gln299His (NM_001314028.4); c.771G>T, p.Gln257His (NM_001366537.3); short protein forms Q318H, Q251H, Q364H, Q257H, Q299H.
Identifiers: ClinVar variation 1372653 (VCV001372653.6), dbSNP rs2117380430, ClinGen allele CA369584797.